The following is an entry in ClinVar:

ClinVar aggregate classification (germline): Conflicting classifications of pathogenicity. Review status: criteria provided, conflicting classifications (1 of 4 stars). 2 submissions from 2 submitters: Uncertain significance (1); Likely benign (1). Last evaluated 2025-07-02.

Conditions:
Hereditary cancer-predisposing syndrome. Also called: Tumor predisposition; Hereditary neoplastic syndrome; Hereditary Cancer Syndrome; Neoplastic Syndromes, Hereditary. Identifiers: Orphanet 140162, MedGen C0027672, MeSH D009386, MONDO:0015356.
Hereditary nonpolyposis colorectal neoplasms. Identifiers: MedGen C0009405, MeSH D003123.

Submissions (2):

Ambry Genetics
Classification: Likely benign for Hereditary cancer-predisposing syndrome. Last evaluated: 2025-07-02. Review status: criteria provided, single submitter. Criteria: Ambry Variant Classification Scheme 2023. Collection method: clinical testing. Allele origin: germline.

Labcorp Genetics (formerly Invitae), Labcorp
Classification: Uncertain significance for Hereditary nonpolyposis colorectal neoplasms. Last evaluated: 2024-01-31. Review status: criteria provided, single submitter. Criteria: Invitae Variant Classification Sherloc (09022015). Collection method: clinical testing. Allele origin: germline.
Comment: This sequence change replaces histidine, which is basic and polar, with leucine, which is neutral and non-polar, at codon 634 of the PMS2 protein (p.His634Leu). This variant is not present in population databases (gnomAD no frequency). This variant has not been reported in the literature in individuals affected with PMS2-related conditions. ClinVar contains an entry for this variant (Variation ID: 937452). Advanced modeling of protein sequence and biophysical properties (such as structural, functional, and spatial information, amino acid conservation, physicochemical variation, residue mobility, and thermodynamic stability) performed at Invitae indicates that this missense variant is not expected to disrupt PMS2 protein function with a negative predictive value of 80%. In summary, the available evidence is currently insufficient to determine the role of this variant in disease. Therefore, it has been classified as a Variant of Uncertain Significance.

NM_000535.7(PMS2):c.1901A>T (p.His634Leu)

Gene: PMS2 (PMS1 homolog 2, mismatch repair system component; minus strand). Cytogenetic location: 7p22.1.
Variant type: single nucleotide variant.
Coding change: c.1901A>T on transcript NM_000535.7 (MANE Select); coding-DNA position 1901, A replaced by T.
Protein change: p.His634Leu; replaces histidine 634 with leucine.
Molecular consequence: missense variant. On other transcripts: non-coding transcript variant (1).
Genome position (GRCh38, 1-based): chr7:5,986,864, T>A on the plus strand (A>T on the coding strand, the complement: PMS2 is on the minus strand). VCF-style: chr7-5986864-T-A. GRCh37 (hg19) VCF-style: chr7-6026495-T-A.
Other names: c.1496A>T, p.His499Leu (NM_001322003.2, NM_001322004.2, NM_001322005.2 and 1 more transcripts); c.1745A>T, p.His582Leu (NM_001322006.2); c.1583A>T, p.His528Leu (NM_001322007.2, NM_001322008.2); c.1340A>T, p.His447Leu (NM_001322010.2); c.968A>T, p.His323Leu (NM_001322011.2, NM_001322012.2); c.1328A>T, p.His443Leu (NM_001322013.2); c.1901A>T, p.His634Leu (NM_001322014.2); c.1592A>T, p.His531Leu (NM_001322015.2); short protein forms H582L, H634L, H323L, H447L, H528L, H443L, H499L, H531L.
Identifiers: ClinVar variation 937452 (VCV000937452.10), dbSNP rs767904893, ClinGen allele CA366739346.
Genomic context (GRCh38, chr7:5,986,864, plus strand): 5'-GGACAAATCTTTGCCCTAAACTTCCTGTAATTCTGTTCCCCTTCACTTTGCTGTGCTTCA[T>A]GATGTAACTGCTTTATTCGTTTAGCTAAAGAACTCATAGAAAAGTCCAGGGGCACAACTT-3'
Protein context (NP_000526.2, residues 624-644): SLAKRIKQLH[His634Leu]EAQQSEGEQN